The following is an entry in ClinVar:

NM_002691.4(POLD1):c.1435T>G (p.Phe479Val)

Gene: POLD1 (DNA polymerase delta 1, catalytic subunit; plus strand). Cytogenetic location: 19q13.33.
Variant type: single nucleotide variant.
Coding change: c.1435T>G on transcript NM_002691.4 (MANE Select); coding-DNA position 1435, T replaced by G.
Protein change: p.Phe479Val; replaces phenylalanine 479 with valine.
Molecular consequence: missense variant. On other transcripts: non-coding transcript variant (1).
Genome position (GRCh38, 1-based): chr19:50,406,458, T>G. VCF-style: chr19-50406458-T-G. GRCh37 (hg19) VCF-style: chr19-50909715-T-G.
Other names: c.1435T>G, p.Phe479Val (NM_001256849.1, NM_001308632.1); short protein forms F479V.
Identifiers: ClinVar variation 856447 (VCV000856447.9), dbSNP rs2038887063, ClinGen allele CA406980186.

ClinVar aggregate classification (germline): Uncertain significance (1 of 4 stars; one submission).

Conditions:
POLD1-related polyposis and colorectal cancer syndrome (CRCS10). Also called: Colorectal cancer 10; COLORECTAL CANCER, SUSCEPTIBILITY TO, ON CHROMOSOME 19q; Colorectal cancer, susceptibility to, 10. Identifiers: Orphanet 220460, MedGen C2675481, MONDO:0012953, OMIM 612591.

Submission:

Labcorp Genetics (formerly Invitae), Labcorp
Classification: Uncertain significance for POLD1-related polyposis and colorectal cancer syndrome. Last evaluated: 2019-02-28. Review status: criteria provided, single submitter. Criteria: Invitae Variant Classification Sherloc (09022015). Collection method: clinical testing. Allele origin: germline.
Comment: In summary, the available evidence is currently insufficient to determine the role of this variant in disease. Therefore, it has been classified as a Variant of Uncertain Significance. Algorithms developed to predict the effect of missense changes on protein structure and function are either unavailable or do not agree on the potential impact of this missense change (SIFT: "Tolerated"; PolyPhen-2: "Possibly Damaging"; Align-GVGD: "Class C0"). This variant has not been reported in the literature in individuals with POLD1-related conditions. This variant is not present in population databases (ExAC no frequency). This sequence change replaces phenylalanine with valine at codon 479 of the POLD1 protein (p.Phe479Val). The phenylalanine residue is moderately conserved and there is a small physicochemical difference between phenylalanine and valine.